The following is an entry in ClinVar:

ClinVar aggregate classification (germline): Uncertain significance. Review status: criteria provided, multiple submitters, no conflicts (2 of 4 stars). 4 submissions from 4 submitters: Uncertain significance (4). Last evaluated 2024-09-17.

Conditions:
Cardiomyopathy (CMYO). Also called: Cardiomyopathies. Identifiers: Orphanet 167848, MedGen C0878544, MONDO:0004994, HP:0001638. Inheritance: Various modes of inheritance.
Catecholaminergic polymorphic ventricular tachycardia (CVPT). Also called: Catecholamine-induced polymorphic ventricular tachycardia. Identifiers: Orphanet 3286, MedGen C5574922, MONDO:0017990.
Catecholaminergic polymorphic ventricular tachycardia 1. Also called: VENTRICULAR TACHYCARDIA, STRESS-INDUCED POLYMORPHIC 1; VENTRICULAR TACHYCARDIA, CATECHOLAMINERGIC POLYMORPHIC, 1, WITH OR WITHOUT ATRIAL DYSFUNCTION AND/OR DILATED CARDIOMYOPATHY; RYR2-Related Catecholaminergic Polymorphic Ventricular Tachycardia. Identifiers: Orphanet 3286, MedGen C1631597, MONDO:0011484, OMIM 604772.

Submissions (4):

Labcorp Genetics (formerly Invitae), Labcorp
Classification: Uncertain significance for Catecholaminergic polymorphic ventricular tachycardia 1. Last evaluated: 2024-09-17. Review status: criteria provided, single submitter. Criteria: Invitae Variant Classification Sherloc (09022015). Collection method: clinical testing. Allele origin: germline.
Comment: This sequence change replaces arginine, which is basic and polar, with glycine, which is neutral and non-polar, at codon 3016 of the RYR2 protein (p.Arg3016Gly). This variant is not present in population databases (gnomAD no frequency). This variant has not been reported in the literature in individuals affected with RYR2-related conditions. ClinVar contains an entry for this variant (Variation ID: 1172351). Invitae Evidence Modeling of protein sequence and biophysical properties (such as structural, functional, and spatial information, amino acid conservation, physicochemical variation, residue mobility, and thermodynamic stability) indicates that this missense variant is expected to disrupt RYR2 protein function with a positive predictive value of 95%. In summary, the available evidence is currently insufficient to determine the role of this variant in disease. Therefore, it has been classified as a Variant of Uncertain Significance.

Color Diagnostics, LLC DBA Color Health
Classification: Uncertain significance for Cardiomyopathy. Last evaluated: 2024-03-06. Review status: criteria provided, single submitter. Criteria: ACMG Guidelines, 2015. Collection method: clinical testing. Allele origin: germline.
Comment: This missense variant replaces arginine with glycine at codon 3016 of the RYR2 protein. Computational prediction suggests that this variant may have deleterious impact on protein structure and function (internally defined REVEL score threshold >= 0.7, PMID: 27666373). To our knowledge, functional studies have not been reported for this variant. This variant has not been reported in individuals affected with cardiovascular disorders in the literature. This variant has not been identified in the general population by the Genome Aggregation Database (gnomAD). The available evidence is insufficient to determine the role of this variant in disease conclusively. Therefore, this variant is classified as a Variant of Uncertain Significance.

All of Us Research Program, National Institutes of Health
Classification: Uncertain significance for Catecholaminergic polymorphic ventricular tachycardia. Last evaluated: 2023-02-24. Review status: criteria provided, single submitter. Criteria: ACMG Guidelines, 2015. Collection method: clinical testing. Allele origin: germline. Inheritance: Autosomal dominant inheritance. Observed: 1 variant allele, 1 heterozygote.
Comment: This missense variant replaces arginine with glycine at codon 3016 of the RYR2 protein. Computational prediction suggests that this variant may have deleterious impact on protein structure and function (internally defined REVEL score threshold >= 0.7, PMID: 27666373). To our knowledge, functional studies have not been reported for this variant. This variant has not been reported in individuals affected with cardiovascular disorders in the literature. This variant has not been identified in the general population by the Genome Aggregation Database (gnomAD). The available evidence is insufficient to determine the role of this variant in disease conclusively. Therefore, this variant is classified as a Variant of Uncertain Significance.

This study involves interpretation of variants in research participants for the purpose of population health screening. Participant phenotype was not available at the time of variant classification. Additional details can be found in publication PMID: 35346344, PMCID: PMC8962531

GeneDx
Classification: Uncertain significance. Last evaluated: 2019-06-04. Review status: criteria provided, single submitter. Criteria: GeneDx Variant Classification Process June 2021. Collection method: clinical testing. Allele origin: germline. Affected: yes.
Comment: Has not been previously published as pathogenic or benign to our knowledge; Not observed in large population cohorts (Lek et al., 2016); In silico analysis, which includes protein predictors and evolutionary conservation, supports a deleterious effect; Is not located in one of the three hot-spot regions of the RYR2 gene, where the majority of pathogenic missense variants occur (Medeiros-Domingo et al., 2009)

NM_001035.3(RYR2):c.9046A>G (p.Arg3016Gly)

Gene: RYR2 (ryanodine receptor 2; plus strand). Cytogenetic location: 1q43.
Variant type: single nucleotide variant.
Coding change: c.9046A>G on transcript NM_001035.3 (MANE Select); coding-DNA position 9046, A replaced by G.
Protein change: p.Arg3016Gly; replaces arginine 3016 with glycine.
Molecular consequence: missense variant.
Genome position (GRCh38, 1-based): chr1:237,687,483, A>G. VCF-style: chr1-237687483-A-G. GRCh37 (hg19) VCF-style: chr1-237850783-A-G.
Other names: c.9046A>G (NM_001035.2); short protein forms R3016G.
Identifiers: ClinVar variation 1172351 (VCV001172351.10), dbSNP rs2148969159, ClinGen allele CA345405855.